The following is an entry in ClinVar:

ClinVar aggregate classification (germline): Uncertain significance (1 of 4 stars; one submission).

Conditions:
Ehlers-Danlos syndrome, classic type, 1 (EDSCL1). Also called: EHLERS-DANLOS SYNDROME, GRAVIS TYPE; EHLERS-DANLOS SYNDROME, SEVERE CLASSIC TYPE; Ehlers-Danlos syndrome, type 1; Ehlers-Danlos Syndrome, Classic Type, COL5A1-Related; EDS I. Identifiers: MedGen C0268335, MONDO:0019567, OMIM 130000.

Allele frequency attached by ClinVar (database versions not stated): gnomAD 0.00001.
gnomAD v4.1: 1 of 1,613,960 alleles (0.000062%); highest among the groups gnomAD compares: South Asian, 0.0011%; no homozygotes.

Submission:

Labcorp Genetics (formerly Invitae), Labcorp
Classification: Uncertain significance for Ehlers-Danlos syndrome, classic type, 1. Last evaluated: 2023-03-08. Review status: criteria provided, single submitter. Criteria: Invitae Variant Classification Sherloc (09022015). Collection method: clinical testing. Allele origin: germline.
Comment: This variant has not been reported in the literature in individuals affected with COL5A1-related conditions. In summary, the available evidence is currently insufficient to determine the role of this variant in disease. Therefore, it has been classified as a Variant of Uncertain Significance. Variants that disrupt the consensus splice site are a relatively common cause of aberrant splicing (PMID: 17576681, 9536098). Algorithms developed to predict the effect of sequence changes on RNA splicing suggest that this variant is not likely to affect RNA splicing. This variant is not present in population databases (gnomAD no frequency). This sequence change falls in intron 61 of the COL5A1 gene. It does not directly change the encoded amino acid sequence of the COL5A1 protein. It affects a nucleotide within the consensus splice site.

Literature cited by the submitters: PubMed 17576681; PubMed 9536098.

NM_000093.5(COL5A1):c.4698+6T>G

Genes: COL5A1 (collagen type V alpha 1 chain; plus strand), LOC101448202 (uncharacterized LOC101448202; minus strand). Cytogenetic location: 9q34.3.
Variant type: single nucleotide variant.
Coding change: c.4698+6T>G on transcript NM_000093.5 (MANE Select); 6 bases into the intron after coding-DNA position 4698, T replaced by G.
Molecular consequence: intron variant.
Genome position (GRCh38, 1-based): chr9:134,823,475, T>G. VCF-style: chr9-134823475-T-G. GRCh37 (hg19) VCF-style: chr9-137715321-T-G.
Other names: c.4698+6T>G (NM_001278074.1).
Identifiers: ClinVar variation 2723546 (VCV002723546.3), dbSNP rs1839111152, ClinGen allele CA1129891659.